The following is an entry in ClinVar:

ClinVar aggregate classification (germline): Uncertain significance (1 of 4 stars; one submission).

Conditions:
Neuropathy, hereditary sensory and autonomic, type 2A (HSAN2A). Also called: ACROOSTEOLYSIS, GIACCAI TYPE; ACROOSTEOLYSIS, NEUROGENIC; MORVAN DISEASE; NEUROPATHY, CONGENITAL SENSORY; NEUROPATHY, HEREDITARY SENSORY RADICULAR, AUTOSOMAL RECESSIVE; NEUROPATHY, HEREDITARY SENSORY, TYPE IIA. Identifiers: Orphanet 970, MedGen C2752089, MONDO:0024309, OMIM 201300.
Pseudohypoaldosteronism type 2C (PHA2C). Also called: Pseudohypoaldosteronism Type IIC. Identifiers: Orphanet 757, Orphanet 88940, MedGen C1840391, MONDO:0013778, OMIM 614492.

gnomAD v4.1: 2 of 1,614,120 alleles (0.00012%); highest among the groups gnomAD compares: African/African-American, 0.0013%; no homozygotes.

Submission:

Labcorp Genetics (formerly Invitae), Labcorp
Classification: Uncertain significance for Neuropathy, hereditary sensory and autonomic, type 2A; Pseudohypoaldosteronism type 2C. Last evaluated: 2024-10-29. Review status: criteria provided, single submitter. Criteria: Invitae Variant Classification Sherloc (09022015). Collection method: clinical testing. Allele origin: germline.
Comment: This sequence change replaces glutamine, which is neutral and polar, with glutamic acid, which is acidic and polar, at codon 703 of the WNK1 protein (p.Gln703Glu). This variant is not present in population databases (gnomAD no frequency). This variant has not been reported in the literature in individuals affected with WNK1-related conditions. ClinVar contains an entry for this variant (Variation ID: 1430190). Invitae Evidence Modeling of protein sequence and biophysical properties (such as structural, functional, and spatial information, amino acid conservation, physicochemical variation, residue mobility, and thermodynamic stability) indicates that this missense variant is not expected to disrupt WNK1 protein function with a negative predictive value of 95%. In summary, the available evidence is currently insufficient to determine the role of this variant in disease. Therefore, it has been classified as a Variant of Uncertain Significance.

NM_018979.4(WNK1):c.2107C>G (p.Gln703Glu)

Gene: WNK1 (WNK lysine deficient protein kinase 1; plus strand). Cytogenetic location: 12p13.33.
Variant type: single nucleotide variant.
Coding change: c.2107C>G on transcript NM_018979.4 (MANE Select); coding-DNA position 2107, C replaced by G.
Protein change: p.Gln703Glu; replaces glutamine 703 with glutamic acid.
Molecular consequence: missense variant.
Genome position (GRCh38, 1-based): chr12:862,238, C>G. VCF-style: chr12-862238-C-G. GRCh37 (hg19) VCF-style: chr12-971404-C-G.
Other names: c.2107C>G, p.Gln703Glu (NM_213655.5, NM_001184985.2, NM_014823.3); short protein forms Q703E.
Identifiers: ClinVar variation 1430190 (VCV001430190.8), dbSNP rs2154066650, ClinGen allele CA383336684.